The following is an entry in ClinVar:

ClinVar aggregate classification (germline): Likely pathogenic (0 of 4 stars; one submission).

Conditions:
Autosomal recessive limb-girdle muscular dystrophy type 2A (LGMDR1). Also called: Limb-girdle muscular dystrophy, type 2A; Muscular dystrophy, limb-girdle, type 2A, Amish; Calpainopathy; LEYDEN-MOEBIUS MUSCULAR DYSTROPHY; MUSCULAR DYSTROPHY, PELVOFEMORAL. Identifiers: Orphanet 267, MedGen C1869123, MONDO:0009675, OMIM 253600. Disease mechanism: loss of function.

Submission:

Foundation for Research in Genetics and Endocrinology, FRIGE's Institute of Human Genetics
Classification: Likely pathogenic for Autosomal recessive limb-girdle muscular dystrophy type 2A. Last evaluated: 2018-07-12. Review status: no assertion criteria provided. Collection method: clinical testing. Allele origin: germline. Inheritance: Autosomal recessive inheritance. Affected: yes. Observed: 1 homozygote.
Comment: The observed variant g.67344_68890del is not reported in 1000 Genomes and ExAC databases. The in silico prediction of this variant is disease causing by MutationTaster2.

NM_000070.3(CAPN3):c.2134_*219del (p.Leu712_Ter822del)

Gene: CAPN3 (calpain 3; plus strand). Cytogenetic location: 15q15.1.
Variant type: Deletion.
Coding change: c.2134_*219del on transcript NM_000070.3 (MANE Select); coding-DNA position 2134 through 219 bases downstream of the stop codon, 1,547 bases deleted.
Protein change: p.Leu712_Ter822del.
Molecular consequence: stop lost, splice acceptor variant, splice donor variant, inframe deletion.
Genome position (GRCh38, 1-based): chr15:42,410,446-42,411,992, 1,547 bases deleted. GRCh37 (hg19): chr15:42,702,644-42,704,190.
Other names: Exon 17-24 deletion; c.2116_*219del, p.Leu706_Ter816del (NM_024344.2); c.1858_*219del, p.Leu620_Ter730del (NM_173087.2); c.598_*219del, p.Leu200_Ter310del (NM_173088.2); c.139_*219del, p.Leu47_Ter157del (NM_173089.2, NM_173090.2).
Identifiers: ClinVar variation 560538 (VCV000560538.2), ClinGen allele CA658824216.